The following is an entry in ClinVar:

NM_030653.4(DDX11):c.1949-1G>A

Gene: DDX11 (DEAD/H-box helicase 11; plus strand). Cytogenetic location: 12p11.21.
Variant type: single nucleotide variant.
Coding change: c.1949-1G>A on transcript NM_030653.4 (MANE Select); the canonical splice acceptor site of the intron before coding-DNA position 1949, G replaced by A.
Molecular consequence: splice acceptor variant.
Genome position (GRCh38, 1-based): chr12:31,101,026, G>A. VCF-style: chr12-31101026-G-A. GRCh37 (hg19) VCF-style: chr12-31253960-G-A.
Other names: c.1949-1G>A (NM_001413693.1, NM_152438.2, NM_004399.3 and 5 more transcripts); c.1088-1G>A (NM_001413705.1, NM_001413704.1); c.983-1G>A (NM_001413706.1); c.1862-1G>A (NM_001413700.1); c.1421-1G>A (NM_001413702.1, NM_001413703.1); c.1871-1G>A (NM_001413697.1, NM_001413699.1, NM_001257145.2 and 1 more transcripts).
Identifiers: ClinVar variation 372355 (VCV000372355.3), dbSNP rs779058797, ClinGen allele CA6501586.

ClinVar aggregate classification (germline): Pathogenic/Likely pathogenic. Review status: criteria provided, multiple submitters, no conflicts (2 of 4 stars). 3 submissions from 3 submitters: Pathogenic (1); Likely pathogenic (2). Last evaluated 2024-06-19.

Conditions:
Warsaw breakage syndrome (WABS). Also called: DDX11-Related Cohesinopathy. Identifiers: Orphanet 280558, MedGen C3150658, MONDO:0013252, OMIM 613398.

Allele frequency attached by ClinVar (database versions not stated): ExAC 0.00002; TOPMed 0.00002; gnomAD exomes 0.00004 and 0.00001; gnomAD 0.00001.
gnomAD v4.1: 55 of 1,613,496 alleles (0.0034%); highest among the groups gnomAD compares: Non-Finnish European, 0.0044%; no homozygotes.

Submissions (3):

Fulgent Genetics
Classification: Likely pathogenic for Warsaw breakage syndrome. Last evaluated: 2024-06-19. Review status: criteria provided, single submitter. Criteria: ACMG Guidelines, 2015. Collection method: clinical testing. Allele origin: germline.

Revvity Omics, Revvity
Classification: Pathogenic for Warsaw breakage syndrome. Last evaluated: 2023-09-14. Review status: criteria provided, single submitter. Criteria: ACMG Guidelines, 2015. Collection method: clinical testing. Allele origin: germline.

GeneDx
Classification: Likely pathogenic. Last evaluated: 2016-04-27. Review status: criteria provided, single submitter. Criteria: GeneDx Variant Classification (06012015). Collection method: clinical testing. Allele origin: germline. Affected: yes.
Comment: The c.1949-1G>A variant in the DDX11 gene has not been reported previously as a pathogenic variant nor as a benign variant, to our knowledge. This splice site variant destroys the canonical splice acceptor site in intron 19. It is predicted to cause abnormal gene splicing, either leading to an abnormal message that is subject to nonsense-mediated mRNA decay, or to an abnormal protein product if the message is used for protein translation. The c.1949-1G>A variant was not observed in approximately 6,500 individuals of European and African American ancestry in the NHLBI Exome Sequencing Project, indicating it is not a common benign variant in these populations. The c.1949-1G>A variant is a strong candidate for a pathogenic variant, however the possibility it may be a rare benign variant cannot be excluded.